The following is an entry in ClinVar:

ClinVar aggregate classification (germline): Benign (0 of 4 stars; one submission).

Conditions:
FMN2-related disorder. Also called: FMN2-related condition.

Allele frequency attached by ClinVar (database versions not stated): gnomAD exomes 0.00021; ExAC 0.00073; gnomAD 0.00219; TOPMed 0.00260; ESP Exome Variant Server 0.00269; 1000 Genomes Project 0.00339; 1000 Genomes Project 30x 0.00359.
gnomAD v4.1: 650 of 1,613,390 alleles (0.04%); highest among the groups gnomAD compares: African/African-American, 0.79%; 1 homozygote.

Submission:

PreventionGenetics, part of Exact Sciences
Classification: Benign for FMN2-related condition. Last evaluated: 2019-07-12. Review status: no assertion criteria provided. Collection method: clinical testing. Allele origin: germline.
Comment: This variant is classified as benign based on ACMG/AMP sequence variant interpretation guidelines (Richards et al. 2015 PMID: 25741868, with internal and published modifications).

NM_020066.5(FMN2):c.3888T>C (p.Leu1296=)

Gene: FMN2 (formin 2; plus strand). Cytogenetic location: 1q43.
Variant type: single nucleotide variant.
Coding change: c.3888T>C on transcript NM_020066.5 (MANE Select); coding-DNA position 3888, T replaced by C.
Protein change: p.Leu1296=; no amino-acid change (leucine 1296 retained).
Molecular consequence: synonymous variant. On other transcripts: intron variant (1).
Genome position (GRCh38, 1-based): chr1:240,208,700, T>C. VCF-style: chr1-240208700-T-C. GRCh37 (hg19) VCF-style: chr1-240372000-T-C.
Other names: c.3900T>C, p.Leu1300= (NM_001305424.2); c.1986+20438T>C (NM_001348094.2).
Identifiers: ClinVar variation 3050489 (VCV003050489.2), dbSNP rs149661682, ClinGen allele CA1477318.